The following is an entry in ClinVar:

ClinVar aggregate classification (germline): Uncertain significance. Review status: criteria provided, single submitter (1 of 4 stars). 2 submissions from 2 submitters: Uncertain significance (1). 1 of the submissions does not count toward it. Last evaluated 2025-08-03.

Conditions:
Familial adenomatous polyposis 1 (FAP1). Also called: FAMILIAL ADENOMATOUS POLYPOSIS 1, ATTENUATED; POLYPOSIS, ADENOMATOUS INTESTINAL. Identifiers: MedGen C2713442, MONDO:0021056, OMIM 175100. Disease mechanism: loss of function.
APC-related disorder. Also called: APC-related condition.

Allele frequency attached by ClinVar (database versions not stated): gnomAD exomes 0.00001.

Submissions (2):

Labcorp Genetics (formerly Invitae), Labcorp
Classification: Uncertain significance for Familial adenomatous polyposis 1. Last evaluated: 2025-08-03. Review status: criteria provided, single submitter. Criteria: Invitae Variant Classification Sherloc (09022015). Collection method: clinical testing. Allele origin: germline.
Comment: This variant occurs in a non-coding region of the APC gene. It does not change the encoded amino acid sequence of the APC protein. This variant is not present in population databases (gnomAD no frequency). This variant has not been reported in the literature in individuals affected with APC-related conditions. ClinVar contains an entry for this variant (Variation ID: 648211). Experimental studies and prediction algorithms are not available or were not evaluated, and the functional significance of this variant is currently unknown. In summary, the available evidence is currently insufficient to determine the role of this variant in disease. Therefore, it has been classified as a Variant of Uncertain Significance.

PreventionGenetics, part of Exact Sciences
Classification: Likely benign for APC-related condition. Last evaluated: 2024-01-18. Review status: no assertion criteria provided. Collection method: clinical testing. Allele origin: germline. Not counted in ClinVar's aggregate classification.
Comment: This variant is classified as likely benign based on ACMG/AMP sequence variant interpretation guidelines (Richards et al. 2015 PMID: 25741868, with internal and published modifications).

NC_000005.10:g.112707403G>A

Gene: APC (APC regulator of Wnt signaling pathway; plus strand). Cytogenetic location: 5q22.2.
Variant type: single nucleotide variant.
Genome position: GRCh38 VCF-style: chr5-112707403-G-A. GRCh37 (hg19) VCF-style: chr5-112043100-G-A.
Identifiers: ClinVar variation 648211 (VCV000648211.11), dbSNP rs1035047381, ClinGen allele CA124924621.